The following is an entry in ClinVar:

ClinVar aggregate classification (germline): Uncertain significance (1 of 4 stars; one submission).

Submission:

Labcorp Genetics (formerly Invitae), Labcorp
Classification: Uncertain significance. Last evaluated: 2025-12-24. Review status: criteria provided, single submitter. Criteria: Invitae Variant Classification Sherloc (09022015). Collection method: clinical testing. Allele origin: germline.
Comment: This sequence change replaces histidine, which is basic and polar, with tyrosine, which is neutral and polar, at codon 103 of the JAK2 protein (p.His103Tyr). This variant is not present in population databases (gnomAD no frequency). This variant has not been reported in the literature in individuals affected with JAK2-related conditions. Invitae Evidence Modeling of protein sequence and biophysical properties (such as structural, functional, and spatial information, amino acid conservation, physicochemical variation, residue mobility, and thermodynamic stability) indicates that this missense variant is not expected to disrupt JAK2 protein function with a negative predictive value of 80%. In summary, the available evidence is currently insufficient to determine the role of this variant in disease. Therefore, it has been classified as a Variant of Uncertain Significance.

NM_004972.4(JAK2):c.307C>T (p.His103Tyr)

Genes: INSL6 (insulin like 6; minus strand), JAK2 (Janus kinase 2; plus strand). Cytogenetic location: 9p24.1.
Variant type: single nucleotide variant.
Coding change: c.307C>T on transcript NM_004972.4 (MANE Select); coding-DNA position 307, C replaced by T.
Protein change: p.His103Tyr; replaces histidine 103 with tyrosine.
Molecular consequence: missense variant. On other transcripts: 5 prime UTR variant (2), non-coding transcript variant (2).
Genome position (GRCh38, 1-based): chr9:5,029,863, C>T. VCF-style: chr9-5029863-C-T. GRCh37 (hg19) VCF-style: chr9-5029863-C-T.
Other names: c.307C>T, p.His103Tyr (NM_001322194.2, NM_001322195.2, NM_001322196.2); c.-814C>T (NM_001322198.2, NM_001322199.2); short protein forms H103Y.
Identifiers: ClinVar variation 4741528 (VCV004741528.1).